The following is an entry in ClinVar:

ClinVar aggregate classification (germline): Benign/Likely benign. Review status: criteria provided, multiple submitters, no conflicts (2 of 4 stars). 9 submissions from 9 submitters: Benign (1); Likely benign (7). 1 of the submissions does not count toward it. Last evaluated 2026-08-01.

Conditions:
SMARCA4-related disorder. Also called: SMARCA4-related condition.
Hereditary cancer-predisposing syndrome. Also called: Hereditary Cancer Syndrome; Tumor predisposition; Hereditary neoplastic syndrome; Neoplastic Syndromes, Hereditary. Identifiers: Orphanet 140162, MedGen C0027672, MeSH D009386, MONDO:0015356.
Rhabdoid tumor predisposition syndrome 2 (RTPS2). Identifiers: Orphanet 231108, Orphanet 69077, MedGen C2750074, MONDO:0013224, OMIM 613325.

Allele frequency attached by ClinVar (database versions not stated): gnomAD exomes 0.00003; gnomAD 0.00013; TOPMed 0.00005.
gnomAD v4.1: 60 of 1,543,408 alleles (0.0039%); highest among the groups gnomAD compares: Non-Finnish European, 0.0047%; no homozygotes.

Submissions (9):

CeGaT Center for Human Genetics Tuebingen
Classification: Likely benign. Last evaluated: 2026-08-01. Review status: criteria provided, single submitter. Criteria: CeGaT Center For Human Genetics Tuebingen Variant Classification Criteria Version 2. Collection method: clinical testing. Allele origin: germline. Affected: yes. Observed: 3 variant alleles.
Comment: SMARCA4: BP4, BP7

Myriad Genetics, Inc.
Classification: Benign for Rhabdoid tumor predisposition syndrome 2. Last evaluated: 2026-07-09. Review status: criteria provided, single submitter. Criteria: Myriad Autosomal Dominant, Autosomal Recessive and X-Linked Classification Criteria (2023). Collection method: clinical testing. Allele origin: unknown.
Comment: This variant is considered benign. This variant is a silent/synonymous amino acid change and it is not expected to impact splicing.

Labcorp Genetics (formerly Invitae), Labcorp
Classification: Likely benign for Rhabdoid tumor predisposition syndrome 2. Last evaluated: 2026-02-03. Review status: criteria provided, single submitter. Criteria: Invitae Variant Classification Sherloc (09022015). Collection method: clinical testing. Allele origin: germline.

ARUP Laboratories, Molecular Genetics and Genomics, ARUP Laboratories
Classification: Likely benign. Last evaluated: 2025-04-30. Review status: criteria provided, single submitter. Criteria: ARUP Molecular Germline Variant Investigation Process 2024. Collection method: clinical testing. Allele origin: germline.

Blueprint Genetics
Classification: Likely benign. Last evaluated: 2024-11-27. Review status: criteria provided, single submitter. Criteria: ACMG Guidelines, 2015. Collection method: clinical testing. Allele origin: germline.

Sema4
Classification: Likely benign for Hereditary cancer-predisposing syndrome. Last evaluated: 2021-10-19. Review status: criteria provided, single submitter. Criteria: Sema4 Curation Guidelines. Collection method: curation. Allele origin: germline.

GeneDx
Classification: Likely benign. Last evaluated: 2017-11-28. Review status: criteria provided, single submitter. Criteria: GeneDx Variant Classification (06012015). Collection method: clinical testing. Allele origin: germline. Affected: yes.
Comment: This variant is considered likely benign or benign based on one or more of the following criteria: it is a conservative change, it occurs at a poorly conserved position in the protein, it is predicted to be benign by multiple in silico algorithms, and/or has population frequency not consistent with disease.

Ambry Genetics
Classification: Likely benign for Hereditary cancer-predisposing syndrome. Last evaluated: 2015-08-17. Review status: criteria provided, single submitter. Criteria: Ambry Variant Classification Scheme 2023. Collection method: clinical testing. Allele origin: germline.

PreventionGenetics, part of Exact Sciences
Classification: Likely benign for SMARCA4-related condition. Last evaluated: 2019-07-03. Review status: no assertion criteria provided. Collection method: clinical testing. Allele origin: germline. Not counted in ClinVar's aggregate classification.
Comment: This variant is classified as likely benign based on ACMG/AMP sequence variant interpretation guidelines (Richards et al. 2015 PMID: 25741868, with internal and published modifications).

NM_003072.5(SMARCA4):c.690C>T (p.Pro230=)

Gene: SMARCA4 (SWI/SNF related BAF chromatin remodeling complex subunit ATPase 4; plus strand). Cytogenetic location: 19p13.2.
Variant type: single nucleotide variant.
Coding change: c.690C>T on transcript NM_003072.5 (MANE Select); coding-DNA position 690, C replaced by T.
Protein change: p.Pro230=; no amino-acid change (proline 230 retained).
Molecular consequence: synonymous variant. On other transcripts: non-coding transcript variant (1).
Genome position (GRCh38, 1-based): chr19:10,986,523, C>T. VCF-style: chr19-10986523-C-T. GRCh37 (hg19) VCF-style: chr19-11097199-C-T.
Other names: c.690C>T, p.Pro230= (NM_001128844.3, NM_001128845.2, NM_001128846.2 and 5 more transcripts).
Identifiers: ClinVar variation 238511 (VCV000238511.44), dbSNP rs372941839, ClinGen allele CA10583717.